The following is an entry in ClinVar:

ClinVar aggregate classification (germline): Pathogenic (1 of 4 stars; one submission).

Submission:

Labcorp Genetics (formerly Invitae), Labcorp
Classification: Pathogenic. Last evaluated: 2022-11-18. Review status: criteria provided, single submitter. Criteria: Invitae Variant Classification Sherloc (09022015). Collection method: clinical testing. Allele origin: germline.
Comment: This variant is not present in population databases (gnomAD no frequency). For these reasons, this variant has been classified as Pathogenic. This variant has not been reported in the literature in individuals affected with FAM20C-related conditions. This sequence change creates a premature translational stop signal (p.Lys338*) in the FAM20C gene. It is expected to result in an absent or disrupted protein product. Loss-of-function variants in FAM20C are known to be pathogenic (PMID: 17924334, 22615579, 22732358, 23325605, 25026495).

Literature cited by the submitters: PubMed 17924334; PubMed 22615579; PubMed 22732358; PubMed 23325605; PubMed 25026495.

NM_020223.4(FAM20C):c.1012A>T (p.Lys338Ter)

Gene: FAM20C (FAM20C golgi associated secretory pathway kinase; plus strand). Cytogenetic location: 7p22.3.
Variant type: single nucleotide variant.
Coding change: c.1012A>T on transcript NM_020223.4 (MANE Select); coding-DNA position 1012, A replaced by T.
Protein change: p.Lys338Ter; replaces lysine 338 with a stop codon.
Molecular consequence: nonsense.
Genome position (GRCh38, 1-based): chr7:248,370, A>T. VCF-style: chr7-248370-A-T. GRCh37 (hg19) VCF-style: chr7-288336-A-T.
Other names: short protein forms K338*.
Identifiers: ClinVar variation 2026111 (VCV002026111.4), dbSNP rs2534710292, ClinGen allele CA366524008.